The following is an entry in ClinVar:

ClinVar aggregate classification (germline): Uncertain significance (1 of 4 stars; one submission).

gnomAD v4.1: 2 of 1,613,990 alleles (0.00012%); highest among the groups gnomAD compares: East Asian, 0.0045%; no homozygotes.

Submission:

Women's Health and Genetics/Laboratory Corporation of America, LabCorp
Classification: Uncertain significance. Last evaluated: 2024-08-30. Review status: criteria provided, single submitter. Criteria: LabCorp Variant Classification Summary - May 2015. Collection method: clinical testing. Allele origin: germline.
Comment: Variant summary: F5 c.5113A>C (p.Ser1705Arg) results in a non-conservative amino acid change located in the Multicopper oxidase-like, N-terminal domain (IPR011707) of the encoded protein sequence. Five of five in-silico tools predict a damaging effect of the variant on protein function. The variant allele was found at a frequency of 4e-06 in 250792 control chromosomes. The available data on variant occurrences in the general population are insufficient to allow any conclusion about variant significance. c.5113A>C has been reported in the literature in two compound heterozygous individuals affected with Thrombophilia, factor V Leiden (Wei_2022). These report(s) do not provide unequivocal conclusions about association of the variant with Thrombophilia, factor V Leiden. To our knowledge, no experimental evidence demonstrating an impact on protein function has been reported. The following publication have been ascertained in the context of this evaluation (PMID: 34387626). No submitters have cited clinical-significance assessments for this variant to ClinVar. Based on the evidence outlined above, the variant was classified as uncertain significance.

Literature cited by the submitters: PubMed 34387626.

NM_000130.5(F5):c.5113A>C (p.Ser1705Arg)

Gene: F5 (coagulation factor V; minus strand). Cytogenetic location: 1q24.2.
Variant type: single nucleotide variant.
Coding change: c.5113A>C on transcript NM_000130.5 (MANE Select); coding-DNA position 5113, A replaced by C.
Protein change: p.Ser1705Arg; replaces serine 1705 with arginine.
Molecular consequence: missense variant.
Genome position (GRCh38, 1-based): chr1:169,530,881, T>G on the plus strand (A>C on the coding strand, the complement: F5 is on the minus strand). VCF-style: chr1-169530881-T-G. GRCh37 (hg19) VCF-style: chr1-169500119-T-G.
Other names: short protein forms S1705R.
Identifiers: ClinVar variation 3366752 (VCV003366752.1).
Genomic context (GRCh38, chr1:169,530,881, plus strand): 5'-AGGCAGAGCCAGGACTTTCTGGCCCTGATCGCTCAGTGGCATGCCATACGTAGGTATAAC[T>G]GCTATTTGGCTGAACAGCATTATCTTCCTTAAACCATTCAGGAGAGTCATCTTCATAAGT-3'
Protein context (NP_000121.2, residues 1695-1715): KEDNAVQPNS[Ser1705Arg]YTYVWHATER